The following is an entry in ClinVar:

GRCh37/hg19 2q37.3(chr2:241617726-241626027)x3

Gene: AQP12B (aquaporin 12B; minus strand). Cytogenetic location: 2q37.3.
Variant type: copy number gain.
Change: copy number 3 (three copies instead of two) of chr2:241,617,726-241,626,027 (8.3 kb, GRCh37 coordinates, 1-based), cytogenetic band 2q37.3.
Identifiers: ClinVar variation 393871 (VCV000393871.3).

ClinVar aggregate classification (germline): Benign/Likely benign (0 of 4 stars; one submission).

Submission:

ISCA Site 6
Classification: Benign/Likely benign. Review status: no assertion criteria provided. Collection method: clinical testing. Allele origin: unknown. Affected: yes. Observed: 5 variant alleles. Clinical features observed: Developmental delay AND/OR other significant developmental or morphological phenotypes.
Comment: Likely benign (3), Benign (2)

Copy number variation identified through the course of routine clinical cytogenomic testing in postnatal populations, with clinical assertions as classified by the original submitter. For data from the original published study, Kaminsky, et al. 2011 (PubMed 21844811), please see nstd101.